The following is an entry in ClinVar:

ClinVar aggregate classification (germline): Uncertain significance (1 of 4 stars; one submission).

Allele frequency attached by ClinVar (database versions not stated): gnomAD 0.00001; TOPMed 0.00001; ESP Exome Variant Server 0.00008.
gnomAD v4.1: 19 of 1,613,996 alleles (0.0012%); highest among the groups gnomAD compares: East Asian, 0.0089%; no homozygotes.

Submission:

Labcorp Genetics (formerly Invitae), Labcorp
Classification: Uncertain significance. Last evaluated: 2024-10-17. Review status: criteria provided, single submitter. Criteria: Invitae Variant Classification Sherloc (09022015). Collection method: clinical testing. Allele origin: germline.
Comment: This sequence change replaces proline, which is neutral and non-polar, with leucine, which is neutral and non-polar, at codon 279 of the COL18A1 protein (p.Pro279Leu). This variant is present in population databases (rs375411877, gnomAD 0.02%). This variant has not been reported in the literature in individuals affected with COL18A1-related conditions. ClinVar contains an entry for this variant (Variation ID: 1421707). Experimental studies and prediction algorithms are not available or were not evaluated, and the functional significance of this variant is currently unknown. In summary, the available evidence is currently insufficient to determine the role of this variant in disease. Therefore, it has been classified as a Variant of Uncertain Significance.

NM_001379500.1(COL18A1):c.836C>T (p.Pro279Leu)

Gene: COL18A1 (collagen type XVIII alpha 1 chain; plus strand). Cytogenetic location: 21q22.3.
Variant type: single nucleotide variant.
Coding change: c.836C>T on transcript NM_001379500.1 (MANE Select); coding-DNA position 836, C replaced by T.
Protein change: p.Pro279Leu; replaces proline 279 with leucine.
Molecular consequence: missense variant.
Genome position (GRCh38, 1-based): chr21:45,476,388, C>T. VCF-style: chr21-45476388-C-T. GRCh37 (hg19) VCF-style: chr21-46896302-C-T.
Other names: c.1376C>T, p.Pro459Leu (NM_030582.4); c.2081C>T, p.Pro694Leu (NM_130444.3); short protein forms P459L, P279L, P694L.
Identifiers: ClinVar variation 1421707 (VCV001421707.6), dbSNP rs375411877, ClinGen allele CA10065954.
Genomic context (GRCh38, chr21:45,476,388, plus strand): 5'-CCACCTCCCCTCTCGTCCTCCAGGGCGCGGCCCTAAAACCCAGGCTCCCCGCGCCACCCC[C>T]CGTCACCACGCCACCCTTGGCTGGAGGCAGCAGCACGGAAGATTCCAGAAGTGAAGAAGT-3'
Protein context (NP_001366429.1, residues 269-289): ALKPRLPAPP[Pro279Leu]VTTPPLAGGS